The following is an entry in ClinVar:

ClinVar aggregate classification (germline): Uncertain significance (1 of 4 stars; one submission).

Allele frequency attached by ClinVar (database versions not stated): gnomAD 0.00001; ExAC 0.00002; gnomAD exomes 0.00002 and 0.00004; TOPMed 0.00003.
gnomAD v4.1: 13 of 1,614,126 alleles (0.00081%); highest among the groups gnomAD compares: Admixed American, 0.022%; no homozygotes.

Submission:

Labcorp Genetics (formerly Invitae), Labcorp
Classification: Uncertain significance. Last evaluated: 2022-02-24. Review status: criteria provided, single submitter. Criteria: Invitae Variant Classification Sherloc (09022015). Collection method: clinical testing. Allele origin: germline.
Comment: This sequence change replaces proline, which is neutral and non-polar, with leucine, which is neutral and non-polar, at codon 52 of the KIF1BP protein (p.Pro52Leu). This variant is present in population databases (rs755489046, gnomAD 0.03%). This variant has not been reported in the literature in individuals affected with KIF1BP-related conditions. Algorithms developed to predict the effect of missense changes on protein structure and function (SIFT, PolyPhen-2, Align-GVGD) all suggest that this variant is likely to be tolerated. In summary, the available evidence is currently insufficient to determine the role of this variant in disease. Therefore, it has been classified as a Variant of Uncertain Significance.

NM_015634.4(KIFBP):c.155C>T (p.Pro52Leu)

Gene: KIFBP (kinesin family binding protein; plus strand). Cytogenetic location: 10q22.1.
Variant type: single nucleotide variant.
Coding change: c.155C>T on transcript NM_015634.4 (MANE Select); coding-DNA position 155, C replaced by T.
Protein change: p.Pro52Leu; replaces proline 52 with leucine.
Molecular consequence: missense variant.
Genome position (GRCh38, 1-based): chr10:68,988,987, C>T. VCF-style: chr10-68988987-C-T. GRCh37 (hg19) VCF-style: chr10-70748743-C-T.
Other names: short protein forms P52L.
Identifiers: ClinVar variation 1681409 (VCV001681409.7), dbSNP rs755489046, ClinGen allele CA5529623.
Genomic context (GRCh38, chr10:68,988,987, plus strand): 5'-CATACAAGTCCAAATACAGCGCCCGGGCGCTACTGGAAGAGGTCAAGGCGCTGCTCGGCC[C>T]TGCGCCTGAGGACGAGGATGAGCGGCCTGAGGCCGAGGACGGCCCGGGTGCCGGTGACCA-3'
Protein context (NP_056449.1, residues 42-62): LLEEVKALLG[Pro52Leu]APEDEDERPE